The following is an entry in ClinVar:

ClinVar aggregate classification (germline): Uncertain significance. Review status: criteria provided, multiple submitters, no conflicts (2 of 4 stars). 2 submissions from 2 submitters: Uncertain significance (2). Last evaluated 2025-12-08.

Conditions:
Distal myopathy with posterior leg and anterior hand involvement. Also called: WILLIAMS DISTAL MYOPATHY. Identifiers: Orphanet 63273, MedGen C3279722, MONDO:0013550, OMIM 614065.
Hypertrophic cardiomyopathy 26. Also called: Cardiomyopathy, familial hypertrophic, 26. Identifiers: Orphanet 75249, MedGen C4310749, MONDO:0014883, OMIM 617047.
Dilated Cardiomyopathy, Dominant.
Myofibrillar myopathy 5. Also called: FILAMINOPATHY, AUTOSOMAL DOMINANT; Filaminopathy (type). Identifiers: Orphanet 171445, MedGen C1836050, MONDO:0012289, OMIM 609524.

Allele frequency attached by ClinVar (database versions not stated): gnomAD exomes 0.00001; gnomAD 0.00001.
gnomAD v4.1: 10 of 1,596,244 alleles (0.00063%); highest among the groups gnomAD compares: Non-Finnish European, 0.00077%; no homozygotes.

Submissions (2):

GeneDx
Classification: Uncertain significance. Last evaluated: 2025-12-08. Review status: criteria provided, single submitter. Criteria: GeneDx Variant Classification Process June 2021. Collection method: clinical testing. Allele origin: germline.
Comment: Not observed at significant frequency in large population cohorts (gnomAD); In silico analysis suggests that this missense variant does not alter protein structure/function; Has not been previously published as pathogenic or benign to our knowledge

Labcorp Genetics (formerly Invitae), Labcorp
Classification: Uncertain significance for Distal myopathy with posterior leg and anterior hand involvement; Myofibrillar myopathy 5; Hypertrophic cardiomyopathy 26. Last evaluated: 2023-09-08. Review status: criteria provided, single submitter. Criteria: Invitae Variant Classification Sherloc (09022015). Collection method: clinical testing. Allele origin: germline.
Comment: This sequence change replaces valine, which is neutral and non-polar, with methionine, which is neutral and non-polar, at codon 2684 of the FLNC protein (p.Val2684Met). This variant is not present in population databases (gnomAD no frequency). This variant has not been reported in the literature in individuals affected with FLNC-related conditions. Advanced modeling of protein sequence and biophysical properties (such as structural, functional, and spatial information, amino acid conservation, physicochemical variation, residue mobility, and thermodynamic stability) performed at Invitae indicates that this missense variant is not expected to disrupt FLNC protein function. In summary, the available evidence is currently insufficient to determine the role of this variant in disease. Therefore, it has been classified as a Variant of Uncertain Significance.

NM_001458.5(FLNC):c.8050G>A (p.Val2684Met)

Genes: FLNC (filamin C; plus strand), FLNC-AS1 (FLNC antisense RNA 1; minus strand). Cytogenetic location: 7q32.1.
Variant type: single nucleotide variant.
Coding change: c.8050G>A on transcript NM_001458.5 (MANE Select); coding-DNA position 8050, G replaced by A.
Protein change: p.Val2684Met; replaces valine 2684 with methionine.
Molecular consequence: missense variant.
Genome position (GRCh38, 1-based): chr7:128,858,395, G>A. VCF-style: chr7-128858395-G-A. GRCh37 (hg19) VCF-style: chr7-128498449-G-A.
Other names: c.7951G>A, p.Val2651Met (NM_001127487.2); short protein forms V2651M, V2684M.
Identifiers: ClinVar variation 2935438 (VCV002935438.3), dbSNP rs1809161184, ClinGen allele CA369221421.